The following is an entry in ClinVar:

ClinVar aggregate classification (germline): Uncertain significance (1 of 4 stars; one submission).

Submission:

Labcorp Genetics (formerly Invitae), Labcorp
Classification: Uncertain significance. Last evaluated: 2022-02-23. Review status: criteria provided, single submitter. Criteria: Invitae Variant Classification Sherloc (09022015). Collection method: clinical testing. Allele origin: germline.
Comment: This sequence change replaces alanine, which is neutral and non-polar, with glycine, which is neutral and non-polar, at codon 1281 of the TUBGCP6 protein (p.Ala1281Gly). Information on the frequency of this variant in the gnomAD database is not available, as this variant may be reported differently in the database. This variant has not been reported in the literature in individuals affected with TUBGCP6-related conditions. Algorithms developed to predict the effect of missense changes on protein structure and function are either unavailable or do not agree on the potential impact of this missense change (SIFT: "Not Available"; PolyPhen-2: "Benign"; Align-GVGD: "Not Available"). In summary, the available evidence is currently insufficient to determine the role of this variant in disease. Therefore, it has been classified as a Variant of Uncertain Significance.

NM_020461.4(TUBGCP6):c.3842_3843delinsGG (p.Ala1281Gly)

Gene: TUBGCP6 (tubulin gamma complex component 6; minus strand). Cytogenetic location: 22q13.33.
Variant type: Indel.
Coding change: c.3842_3843delinsGG on transcript NM_020461.4 (MANE Select); coding-DNA positions 3842 to 3843, CT replaced by GG.
Protein change: p.Ala1281Gly; replaces alanine 1281 with glycine.
Molecular consequence: missense variant.
Genome position (GRCh38, 1-based): chr22:50,220,516-50,220,517, AG replaced by CC on the plus strand (CT replaced by GG on the coding strand, the reverse complement: TUBGCP6 is on the minus strand). VCF-style: chr22-50220516-AG-CC. GRCh37 (hg19) VCF-style: chr22-50658945-AG-CC.
Other names: short protein forms A1281G.
Identifiers: ClinVar variation 2102288 (VCV002102288.4), dbSNP rs2519132846, ClinGen allele CA2580100084.